The following is an entry in ClinVar:

ClinVar aggregate classification (germline): Uncertain significance (1 of 4 stars; one submission).

gnomAD v4.1: 2 of 1,614,136 alleles (0.00012%); highest among the groups gnomAD compares: East Asian, 0.0045%; no homozygotes.

Submission:

Dasa
Classification: Uncertain significance. Last evaluated: 2025-10-31. Review status: criteria provided, single submitter. Criteria: DASA Assertion Criteria. Collection method: clinical testing. Allele origin: germline.
Comment: NM_015559.3(SETBP1):c.1027A>T (p.Ile343Leu) is a missense variant that results in the substitution of isoleucine with leucine. This variant is rare in population databases. Computational prediction algorithms are consistent with a benign effect. The currently available literature and clinical evidence are not sufficient to establish a definitive association between this variant and the reported condition. Therefore, this variant is classified as a variant of uncertain significance.

NM_015559.3(SETBP1):c.1027A>T (p.Ile343Leu)

Gene: SETBP1 (SET binding protein 1; plus strand). Cytogenetic location: 18q12.3.
Variant type: single nucleotide variant.
Coding change: c.1027A>T on transcript NM_015559.3 (MANE Select); coding-DNA position 1027, A replaced by T.
Protein change: p.Ile343Leu; replaces isoleucine 343 with leucine.
Molecular consequence: missense variant.
Genome position (GRCh38, 1-based): chr18:44,950,367, A>T. VCF-style: chr18-44950367-A-T. GRCh37 (hg19) VCF-style: chr18-42530332-A-T.
Other names: c.1027A>T, p.Ile343Leu (NM_001379141.1, NM_001379142.1, NM_001410862.1); short protein forms I343L.
Identifiers: ClinVar variation 4883533 (VCV004883533.2).
Genomic context (GRCh38, chr18:44,950,367, plus strand): 5'-AAGGAGCCCCCAGAACCACCTACGGTGGGCAGCAAGAAAAAGTCCAGTAAAAAAGATGTG[A>T]TAAGTCAGACCATACCAAACCCAGACCTGGATTGGGTCAAGAATGCCCAGAAAGCATTTG-3'
Protein context (NP_056374.2, residues 333-353): SKKKSSKKDV[Ile343Leu]SQTIPNPDLD